The following is an entry in ClinVar:

NM_000059.4(BRCA2):c.7425del (p.Glu2476fs)

Gene: BRCA2 (BRCA2 DNA repair associated; plus strand). Cytogenetic location: 13q13.1.
Variant type: Deletion.
Coding change: c.7425del on transcript NM_000059.4 (MANE Select); coding-DNA position 7425, one base deleted (A; older notation c.7425delA).
Protein change: p.Glu2476fs; shifts the reading frame from glutamic acid 2476.
Molecular consequence: frameshift variant.
Genome position (GRCh38, 1-based): chr13:32,355,278, A deleted; the last of 2 consecutive A bases (chr13:32,355,277-32,355,278); deleting either gives the same sequence. VCF-style (leftmost placement, unchanged base first): chr13-32355276-GA-G. GRCh37 (hg19) VCF-style: chr13-32929413-GA-G.
Other names: 7652delA; c.7425delA (NM_000059.3).
Identifiers: ClinVar variation 267009 (VCV000267009.11), dbSNP rs886040706, ClinGen allele CA10589427.

ClinVar aggregate classification (germline): Pathogenic. Review status: reviewed by expert panel (3 of 4 stars). 3 submissions from 3 submitters: Pathogenic (1). 2 of the submissions do not count toward it. Last evaluated 2016-10-18.

Conditions:
Breast-ovarian cancer, familial, susceptibility to, 2 (BROVCA2). Also called: BRCA2 Hereditary Breast and Ovarian Cancer. Identifiers: Orphanet 145, MedGen C2675520, MONDO:0012933, OMIM 612555. Disease mechanism: loss of function.
Hereditary breast ovarian cancer syndrome. Also called: BRCA1- and BRCA2-Associated Hereditary Breast and Ovarian Cancer; Hereditary breast and ovarian cancer; Breast and ovarian cancer; Hereditary breast and/or ovarian cancer syndrome; Hereditary breast and ovarian cancer syndrome; Hereditary breast and ovarian cancer syndrome (HBOC). Identifiers: Orphanet 145, MedGen C0677776, MeSH D061325, MONDO:0003582. Disease mechanism: loss of function.

Submissions (3):

Evidence-based Network for the Interpretation of Germline Mutant Alleles (ENIGMA)
Classification: Pathogenic for Breast-ovarian cancer, familial, susceptibility to, 2. Last evaluated: 2016-10-18. Review status: reviewed by expert panel. Criteria: ENIGMA BRCA1/2 Classification Criteria (2015). Collection method: curation. Allele origin: germline.
Comment: Variant allele predicted to encode a truncated non-functional protein.

Labcorp Genetics (formerly Invitae), Labcorp
Classification: Pathogenic for Hereditary breast ovarian cancer syndrome. Last evaluated: 2023-03-02. Review status: criteria provided, single submitter. Criteria: Invitae Variant Classification Sherloc (09022015). Collection method: clinical testing. Allele origin: germline. Not counted in ClinVar's aggregate classification.
Comment: This sequence change creates a premature translational stop signal (p.Glu2476Asnfs*3) in the BRCA2 gene. It is expected to result in an absent or disrupted protein product. Loss-of-function variants in BRCA2 are known to be pathogenic (PMID: 20104584). This variant is not present in population databases (gnomAD no frequency). This premature translational stop signal has been observed in individual(s) with breast cancer and/or ovarian cancer (PMID: 20127978). ClinVar contains an entry for this variant (Variation ID: 267009). For these reasons, this variant has been classified as Pathogenic.

Consortium of Investigators of Modifiers of BRCA1/2 (CIMBA), c/o University of Cambridge
Classification: Pathogenic for Breast-ovarian cancer, familial, susceptibility to, 2. Last evaluated: 2015-10-02. Review status: criteria provided, single submitter. Criteria: CIMBA Mutation Classification guidelines May 2016. Collection method: clinical testing. Allele origin: germline. Not counted in ClinVar's aggregate classification.

Literature cited by the submitters: PubMed 20104584 (cited by Labcorp Genetics (formerly Invitae), Labcorp); PubMed 20127978 (cited by Labcorp Genetics (formerly Invitae), Labcorp).